The following is an entry in ClinVar:

NM_198859.4(PRICKLE2):c.*1763G>A

Genes: PRICKLE2 (prickle planar cell polarity protein 2; minus strand), PRICKLE2-AS1 (PRICKLE2 antisense RNA 1; plus strand). Cytogenetic location: 3p14.1.
Variant type: single nucleotide variant.
Coding change: c.*1763G>A on transcript NM_198859.4 (MANE Select); 1763 bases downstream of the stop codon, G replaced by A.
Molecular consequence: 3 prime UTR variant. On other transcripts: non-coding transcript variant (1).
Genome position (GRCh38, 1-based): chr3:64,097,288, C>T on the plus strand (G>A on the coding strand, the complement: PRICKLE2 is on the minus strand). VCF-style: chr3-64097288-C-T. GRCh37 (hg19) VCF-style: chr3-64082964-C-T.
Other names: c.*1763G>A (NM_001370528.1).
Identifiers: ClinVar variation 346450 (VCV000346450.6), dbSNP rs26939, ClinGen allele CA10616559.

ClinVar aggregate classification (germline): Benign. Review status: criteria provided, multiple submitters, no conflicts (2 of 4 stars). 2 submissions from 2 submitters: Benign (2). Last evaluated 2018-01-12.

Conditions:
Progressive myoclonic epilepsy. Also called: Progressive myoclonus epilepsy; Familial progressive myoclonic epilepsy; Myoclonus epilepsy; Myoclonic Epilepsies, Progressive. Identifiers: Orphanet 308, Orphanet 98261, MedGen C0751778, MONDO:0020074.

Allele frequency attached by ClinVar (database versions not stated): gnomAD 0.33203 and 0.33805; TOPMed 0.33317; 1000 Genomes Project 30x 0.36680; 1000 Genomes Project 0.37340; gnomAD exomes 0.38140.
gnomAD v4.1: 51,692 of 152,352 alleles (34%); highest among the groups gnomAD compares: South Asian, 48%; 9,277 homozygotes.

Submissions (2):

Illumina Laboratory Services, Illumina
Classification: Benign for Progressive myoclonic epilepsy. Last evaluated: 2018-01-12. Review status: criteria provided, single submitter. Criteria: ICSL Variant Classification Criteria 13 December 2019. Collection method: clinical testing. Allele origin: germline.
Comment: This variant was observed in the ICSL laboratory as part of a predisposition screen in an ostensibly healthy population. It had not been previously curated by ICSL or reported in the Human Gene Mutation Database (HGMD: prior to June 1st, 2018), and was therefore a candidate for classification through an automated scoring system. Utilizing variant allele frequency, disease prevalence and penetrance estimates, and inheritance mode, an automated score was calculated to assess if this variant is too frequent to cause the disease. Based on the score and internal cut-off values, a variant classified as benign is not then subjected to further curation. The score for this variant resulted in a classification of benign for this disease.

Breakthrough Genomics
Classification: Benign. Review status: criteria provided, single submitter. Criteria: ACMG Guidelines, 2015. Collection method: not provided. Allele origin: germline. Inheritance: Unknown mechanism. Affected: yes.